The following is an entry in ClinVar:

ClinVar aggregate classification (germline): Uncertain significance (1 of 4 stars; one submission).

Conditions:
Deficiency of ferroxidase (ACEP). Also called: Deficiency of ceruloplasmin; Aceruloplasminemia; Ceruloplasmin deficiency; Familial apoceruloplasmin deficiency; Hereditary ceruloplasmin deficiency; NEURODEGENERATION WITH BRAIN IRON ACCUMULATION 10. Identifiers: Orphanet 48818, MedGen C0878682, MONDO:0011426, OMIM 604290, HP:0025498.

Allele frequency attached by ClinVar (database versions not stated): TOPMed below 0.00001; gnomAD exomes 0.00001.
gnomAD v4.1: 13 of 1,613,642 alleles (0.00081%); highest among the groups gnomAD compares: Non-Finnish European, 0.001%; no homozygotes.

Submission:

Labcorp Genetics (formerly Invitae), Labcorp
Classification: Uncertain significance for Deficiency of ferroxidase. Last evaluated: 2019-12-31. Review status: criteria provided, single submitter. Criteria: Invitae Variant Classification Sherloc (09022015). Collection method: clinical testing. Allele origin: germline.
Comment: This sequence change replaces serine with cysteine at codon 939 of the CP protein (p.Ser939Cys). The serine residue is highly conserved and there is a moderate physicochemical difference between serine and cysteine. This variant is not present in population databases (ExAC no frequency). This variant has not been reported in the literature in individuals with CP-related conditions. Algorithms developed to predict the effect of missense changes on protein structure and function are either unavailable or do not agree on the potential impact of this missense change (SIFT: "Tolerated"; PolyPhen-2: "Benign"; Align-GVGD: "Class C15"). In summary, the available evidence is currently insufficient to determine the role of this variant in disease. Therefore, it has been classified as a Variant of Uncertain Significance.

NM_000096.4(CP):c.2816C>G (p.Ser939Cys)

Gene: CP (ceruloplasmin; minus strand). Cytogenetic location: 3q24.
Variant type: single nucleotide variant.
Coding change: c.2816C>G on transcript NM_000096.4 (MANE Select); coding-DNA position 2816, C replaced by G.
Protein change: p.Ser939Cys; replaces serine 939 with cysteine.
Molecular consequence: missense variant. On other transcripts: non-coding transcript variant (1).
Genome position (GRCh38, 1-based): chr3:149,178,477, G>C on the plus strand (C>G on the coding strand, the complement: CP is on the minus strand). VCF-style: chr3-149178477-G-C. GRCh37 (hg19) VCF-style: chr3-148896264-G-C.
Other names: short protein forms S939C.
Identifiers: ClinVar variation 863254 (VCV000863254.9), dbSNP rs781046060, ClinGen allele CA85528649.